The following is an entry in ClinVar:

NM_006231.4(POLE):c.25C>G (p.Arg9Gly)

Genes: POLE (DNA polymerase epsilon, catalytic subunit; minus strand), LOC130009266 (ATAC-STARR-seq lymphoblastoid silent region 5123; plus strand). Cytogenetic location: 12q24.33.
Variant type: single nucleotide variant.
Coding change: c.25C>G on transcript NM_006231.4 (MANE Select); coding-DNA position 25, C replaced by G.
Protein change: p.Arg9Gly; replaces arginine 9 with glycine.
Molecular consequence: missense variant.
Genome position (GRCh38, 1-based): chr12:132,687,291, G>C on the plus strand (C>G on the coding strand, the complement: POLE is on the minus strand). VCF-style: chr12-132687291-G-C. GRCh37 (hg19) VCF-style: chr12-133263877-G-C.
Other names: short protein forms R9G.
Identifiers: ClinVar variation 3422171 (VCV003422171.1).

ClinVar aggregate classification (germline): Uncertain significance (1 of 4 stars; one submission).

Conditions:
Hereditary cancer-predisposing syndrome. Also called: Neoplastic Syndromes, Hereditary; Tumor predisposition; Hereditary Cancer Syndrome; Hereditary neoplastic syndrome. Identifiers: Orphanet 140162, MedGen C0027672, MeSH D009386, MONDO:0015356.

Submission:

Ambry Genetics
Classification: Uncertain significance for Hereditary cancer-predisposing syndrome. Last evaluated: 2024-09-16. Review status: criteria provided, single submitter. Criteria: Ambry Variant Classification Scheme 2023. Collection method: clinical testing. Allele origin: germline.
Comment: The p.R9G variant (also known as c.25C>G), located in coding exon 1 of the POLE gene, results from a C to G substitution at nucleotide position 25. The arginine at codon 9 is replaced by glycine, an amino acid with dissimilar properties. This amino acid position is conserved. In addition, this alteration is predicted to be tolerated by in silico analysis. Based on the available evidence, the clinical significance of this variant remains unclear.